The following is an entry in ClinVar:

NM_006060.6(IKZF1):c.1373A>C (p.Gln458Pro)

Gene: IKZF1 (IKAROS family zinc finger 1; plus strand). Cytogenetic location: 7p12.2.
Variant type: single nucleotide variant.
Coding change: c.1373A>C on transcript NM_006060.6 (MANE Select); coding-DNA position 1373, A replaced by C.
Protein change: p.Gln458Pro; replaces glutamine 458 with proline.
Molecular consequence: missense variant.
Genome position (GRCh38, 1-based): chr7:50,400,440, A>C. VCF-style: chr7-50400440-A-C. GRCh37 (hg19) VCF-style: chr7-50468138-A-C.
Other names: c.1373A>C (NM_006060.5); c.1247A>C, p.Gln416Pro (NM_001220765.3, NM_001291837.2); c.1082A>C, p.Gln361Pro (NM_001220767.2); c.1112A>C, p.Gln371Pro (NM_001220768.2, NM_001291838.2); c.956A>C, p.Gln319Pro (NM_001220770.2); c.944A>C, p.Gln315Pro (NM_001220771.2, NM_001291841.1); c.986A>C, p.Gln329Pro (NM_001291839.2); c.683A>C, p.Gln228Pro (NM_001291840.1); and 4 more; short protein forms Q305P, Q319P, Q361P, Q458P, Q371P, Q228P, Q273P, Q315P.
Identifiers: ClinVar variation 1975816 (VCV001975816.6), dbSNP rs1464111154, ClinGen allele CA367525009.

ClinVar aggregate classification (germline): Uncertain significance. Review status: criteria provided, multiple submitters, no conflicts (2 of 4 stars). 2 submissions from 2 submitters: Uncertain significance (2). Last evaluated 2025-10-29.

Conditions:
IKZF1-related disorder. Also called: IKZF1-related condition.

Allele frequency attached by ClinVar (database versions not stated): gnomAD exomes 0.00001; TOPMed 0.00002; gnomAD 0.00003.
gnomAD v4.1: 24 of 1,613,826 alleles (0.0015%); highest among the groups gnomAD compares: Admixed American, 0.0033%; no homozygotes.

Submissions (2):

Labcorp Genetics (formerly Invitae), Labcorp
Classification: Uncertain significance. Last evaluated: 2025-10-29. Review status: criteria provided, single submitter. Criteria: Invitae Variant Classification Sherloc (09022015). Collection method: clinical testing. Allele origin: germline.
Comment: This sequence change replaces glutamine, which is neutral and polar, with proline, which is neutral and non-polar, at codon 458 of the IKZF1 protein (p.Gln458Pro). This variant is present in population databases (no rsID available, gnomAD 0.003%). This variant has not been reported in the literature in individuals affected with IKZF1-related conditions. ClinVar contains an entry for this variant (Variation ID: 1975816). An algorithm developed to predict the effect of missense changes on protein structure and function outputs the following: PolyPhen-2: "Benign". The proline amino acid residue is found in multiple mammalian species, which suggests that this missense change does not adversely affect protein function. In summary, the available evidence is currently insufficient to determine the role of this variant in disease. Therefore, it has been classified as a Variant of Uncertain Significance.

PreventionGenetics, part of Exact Sciences
Classification: Uncertain significance for IKZF1-related condition. Last evaluated: 2024-12-23. Review status: criteria provided, single submitter. Criteria: ACMG Guidelines, 2015. Collection method: clinical testing. Allele origin: germline.
Comment: The IKZF1 c.1373A>C variant is predicted to result in the amino acid substitution p.Gln458Pro. To our knowledge, this variant has not been reported in the literature. This variant is reported in 0.0033% of alleles in individuals of South Asian descent in gnomAD. At this time, the clinical significance of this variant is uncertain due to the absence of conclusive functional and genetic evidence.